The following is an entry in ClinVar:

NM_080425.4(GNAS):c.645C>G (p.Gly215=)

Gene: GNAS (GNAS complex locus; plus strand). Cytogenetic location: 20q13.32.
Variant type: single nucleotide variant.
Coding change: c.645C>G on transcript NM_080425.4 (MANE Plus Clinical); coding-DNA position 645, C replaced by G.
Protein change: p.Gly215=; no amino-acid change (glycine 215 retained).
Molecular consequence: synonymous variant. On other transcripts: missense variant (2), intron variant (3).
Genome position (GRCh38, 1-based): chr20:58,853,910, C>G. VCF-style: chr20-58853910-C-G. GRCh37 (hg19) VCF-style: chr20-57428965-C-G.
Other names: c.458C>G, p.Ala153Gly (NM_001077490.3, NM_001309883.1); c.645C>G, p.Gly215= (NM_001410913.1); c.*42+13024C>G (NM_016592.5); c.43+13024C>G (NM_001410912.1); c.-39+12035C>G (NM_001309861.2); short protein forms A153G.
Identifiers: ClinVar variation 3347878 (VCV003347878.1).

ClinVar aggregate classification (germline): Uncertain significance (0 of 4 stars; one submission).

Conditions:
GNAS-related disorder. Identifiers: MedGen CN380105.

Submission:

PreventionGenetics, part of Exact Sciences
Classification: Uncertain significance for GNAS-related condition. Last evaluated: 2024-08-30. Review status: no assertion criteria provided. Collection method: clinical testing. Allele origin: germline.
Comment: The GNAS c.458C>G variant is predicted to result in the amino acid substitution p.Ala153Gly. To our knowledge, this variant has not been reported in the literature or in a large population database, indicating this variant is rare. At this time, the clinical significance of this variant is uncertain due to the absence of conclusive functional and genetic evidence.